The following is an entry in ClinVar:

ClinVar aggregate classification (germline): Uncertain significance (1 of 4 stars; one submission).

Conditions:
Ataxia-telangiectasia syndrome (AT). Also called: Ataxia telangiectasia (A-T); ATAXIA-TELANGIECTASIA, COMPLEMENTATION GROUP A; ATAXIA-TELANGIECTASIA, FRESNO VARIANT; Ataxia-telangiectasia; Ataxia-telangiectasia, complementation group E; LOUIS-BAR SYNDROME. Identifiers: Orphanet 100, MedGen C0004135, MONDO:0008840, OMIM 208900.

Submission:

Labcorp Genetics (formerly Invitae), Labcorp
Classification: Uncertain significance for Ataxia-telangiectasia syndrome. Last evaluated: 2022-12-26. Review status: criteria provided, single submitter. Criteria: Invitae Variant Classification Sherloc (09022015). Collection method: clinical testing. Allele origin: germline.
Comment: In summary, the available evidence is currently insufficient to determine the role of this variant in disease. Therefore, it has been classified as a Variant of Uncertain Significance. Algorithms developed to predict the effect of missense changes on protein structure and function (SIFT, PolyPhen-2, Align-GVGD) all suggest that this variant is likely to be disruptive. ClinVar contains an entry for this variant (Variation ID: 1021926). This variant has not been reported in the literature in individuals affected with ATM-related conditions. This variant is not present in population databases (gnomAD no frequency). This sequence change replaces serine, which is neutral and polar, with arginine, which is basic and polar, at codon 2017 of the ATM protein (p.Ser2017Arg).

NM_000051.4(ATM):c.6051T>G (p.Ser2017Arg)

Genes: ATM (ATM serine/threonine kinase; plus strand), C11orf65 (chromosome 11 open reading frame 65; minus strand). Cytogenetic location: 11q22.3.
Variant type: single nucleotide variant.
Coding change: c.6051T>G on transcript NM_000051.4 (MANE Select); coding-DNA position 6051, T replaced by G.
Protein change: p.Ser2017Arg; replaces serine 2017 with arginine.
Molecular consequence: missense variant. On other transcripts: intron variant (2).
Genome position (GRCh38, 1-based): chr11:108,315,867, T>G. VCF-style: chr11-108315867-T-G. GRCh37 (hg19) VCF-style: chr11-108186594-T-G.
Other names: c.6051T>G, p.Ser2017Arg (NM_001351834.2); c.641-6796A>C (NM_001330368.2); c.*39-6796A>C (NM_001351110.2); short protein forms S2017R.
Identifiers: ClinVar variation 1021926 (VCV001021926.9), dbSNP rs2084589926, ClinGen allele CA382549988.